The following is an entry in ClinVar:

ClinVar aggregate classification (germline): Likely pathogenic (1 of 4 stars; one submission).

Conditions:
Neurofibromatosis, type 1 (NF1). Also called: NEUROFIBROMATOSIS, TYPE I, SOMATIC; Peripheral type neurofibromatosis; Neurofibromatosis, type I; VON RECKLINGHAUSEN DISEASE. Identifiers: Orphanet 636, MedGen C0027831, MONDO:0018975, OMIM 162200. Disease mechanism: loss of function.

Submission:

The Shared Resource Centre "Genome", Research Centre for Medical Genetics
Classification: Likely pathogenic for Neurofibromatosis, type 1. Last evaluated: 2026-06-25. Review status: criteria provided, single submitter. Criteria: ACMG Guidelines, 2015. Collection method: clinical testing. Allele origin: germline. Inheritance: Autosomal dominant inheritance. Affected: yes. Observed: 1 variant allele, 1 heterozygote.
Comment: Classified as Likely pathogenic according to ACMG/AMP 2015 criteria (Richards et al., 2015): PVS1, PM2. Variant identified in a Russian cohort referred for suspected Noonan syndrome or Noonan-like phenotypes; not previously reported in HGMD Professional or ClinVar at the time of analysis.

NM_001042492.3(NF1):c.3697del (p.Cys1233fs)

Gene: NF1 (neurofibromin 1; plus strand). Cytogenetic location: 17q11.2.
Variant type: Deletion.
Coding change: c.3697del on transcript NM_001042492.3 (MANE Select); coding-DNA position 3697, one base deleted (T; older notation c.3697delT).
Protein change: p.Cys1233fs; shifts the reading frame from cysteine 1233.
Molecular consequence: frameshift variant.
Genome position (GRCh38, 1-based): chr17:31,233,202, T deleted; the last of 2 consecutive T bases (chr17:31,233,201-31,233,202); deleting either gives the same sequence. VCF-style (leftmost placement, unchanged base first): chr17-31233200-CT-C. GRCh37 (hg19) VCF-style: chr17-29560218-CT-C.
Other names: c.3697delT, p.Cys1233Valfs (NM_000267.3); c.3697del, p.Cys1233fs (NM_000267.4); short protein forms C1233fs.
Identifiers: ClinVar variation 4857314 (VCV004857314.1).